The following is an entry in ClinVar:

ClinVar aggregate classification (germline): Pathogenic (1 of 4 stars; one submission).

Conditions:
Cutis laxa, autosomal dominant 3 (ADCL3). Identifiers: Orphanet 90348, MedGen C4225268, MONDO:0014706, OMIM 616603.
Autosomal dominant spastic paraplegia type 9. Identifiers: MedGen C1832669, MONDO:0015091.
de Barsy syndrome. Also called: Cutis laxa-corneal clouding-oligophrenia syndrome. Identifiers: Orphanet 2962, MedGen C0268354, MONDO:0017569.

gnomAD v4.1: 5 of 1,614,134 alleles (0.00031%); highest among the groups gnomAD compares: Non-Finnish European, 0.00034%; no homozygotes.

Submission:

Labcorp Genetics (formerly Invitae), Labcorp
Classification: Pathogenic for Autosomal dominant spastic paraplegia type 9; de Barsy syndrome; Cutis laxa, autosomal dominant 3. Last evaluated: 2025-06-22. Review status: criteria provided, single submitter. Criteria: Invitae Variant Classification Sherloc (09022015). Collection method: clinical testing. Allele origin: germline.
Comment: This sequence change creates a premature translational stop signal (p.Gln568*) in the ALDH18A1 gene. It is expected to result in an absent or disrupted protein product. Loss-of-function variants in ALDH18A1 are known to be pathogenic (PMID: 21739576, 24913064, 28567303, 28604674, 29915212). This variant is present in population databases (rs750208101, gnomAD 0.0009%). This variant has not been reported in the literature in individuals affected with ALDH18A1-related conditions. For these reasons, this variant has been classified as Pathogenic.

Literature cited by the submitters: PubMed 21739576; PubMed 24913064; PubMed 28567303; PubMed 28604674; PubMed 29915212.

NM_002860.4(ALDH18A1):c.1702C>T (p.Gln568Ter)

Gene: ALDH18A1 (aldehyde dehydrogenase 18 family member A1; minus strand). Cytogenetic location: 10q24.1.
Variant type: single nucleotide variant.
Coding change: c.1702C>T on transcript NM_002860.4 (MANE Select); coding-DNA position 1702, C replaced by T.
Protein change: p.Gln568Ter; replaces glutamine 568 with a stop codon.
Molecular consequence: nonsense.
Genome position (GRCh38, 1-based): chr10:95,614,065, G>A on the plus strand (C>T on the coding strand, the complement: ALDH18A1 is on the minus strand). VCF-style: chr10-95614065-G-A. GRCh37 (hg19) VCF-style: chr10-97373822-G-A.
Other names: c.1369C>T, p.Gln457Ter (NM_001323416.2, NM_001323412.2); c.1597C>T, p.Gln533Ter (NM_001323417.2); c.1363C>T, p.Gln455Ter (NM_001323418.2); c.1066C>T, p.Gln356Ter (NM_001323419.2); c.1696C>T, p.Gln566Ter (NM_001017423.2, NM_001323415.2); c.1702C>T, p.Gln568Ter (NM_001323413.2, NM_001323414.2); short protein forms Q455*, Q533*, Q566*, Q568*, Q356*, Q457*.
Identifiers: ClinVar variation 4794356 (VCV004794356.1).
Genomic context (GRCh38, chr10:95,614,065, plus strand): 5'-CATACATGTGACAGATCCCTTCGCTGTGCCCCATCACTGGAATCCCCTTAGCAGCTTTCT[G>A]GATGTCTCTGACCAGCTGGGAAGAGCCACGTGGAATGATCAGATCTATCATTTTGTCTAG-3'